The following is an entry in ClinVar:

ClinVar aggregate classification (germline): Conflicting classifications of pathogenicity. Review status: criteria provided, conflicting classifications (1 of 4 stars). 2 submissions from 2 submitters: Likely pathogenic (1); Uncertain significance (1). Last evaluated 2025-03-18.

Conditions:
Dyskeratosis congenita. Identifiers: Orphanet 1775, MedGen C0265965, MONDO:0015780.

Allele frequency attached by ClinVar (database versions not stated): gnomAD exomes below 0.00001.

Submissions (2):

Labcorp Genetics (formerly Invitae), Labcorp
Classification: Uncertain significance for Dyskeratosis congenita. Last evaluated: 2025-03-18. Review status: criteria provided, single submitter. Criteria: Invitae Variant Classification Sherloc (09022015). Collection method: clinical testing. Allele origin: germline.
Comment: This sequence change creates a premature translational stop signal (p.Arg266*) in the TINF2 gene. It is expected to result in an absent or disrupted protein product. However, the current clinical and genetic evidence is not sufficient to establish whether loss-of-function variants in TINF2 cause disease. This variant is not present in population databases (gnomAD no frequency). This variant has not been reported in the literature in individuals affected with TINF2-related conditions. ClinVar contains an entry for this variant (Variation ID: 422211). In summary, the available evidence is currently insufficient to determine the role of this variant in disease. Therefore, it has been classified as a Variant of Uncertain Significance.

GeneDx
Classification: Likely pathogenic. Last evaluated: 2016-09-15. Review status: criteria provided, single submitter. Criteria: GeneDx Variant Classification (06012015). Collection method: clinical testing. Allele origin: germline. Affected: yes.
Comment: The R266X variant in the TINF2 gene has not been reported previously as a pathogenic variant nor as a benign variant, to our knowledge. This variant is predicted to cause loss of normal protein function either through protein truncation or nonsense-mediated mRNA decay. The R266X variant was not observed in approximately 6000 individuals of European and African American ancestry in the NHLBI Exome Sequencing Project, indicating it is not a common benign variant in these populations. Therefore, we interpret R266X as a likely pathogenic variant.

NM_001099274.3(TINF2):c.796C>T (p.Arg266Ter)

Gene: TINF2 (TERF1 interacting nuclear factor 2; minus strand). Cytogenetic location: 14q12.
Variant type: single nucleotide variant.
Coding change: c.796C>T on transcript NM_001099274.3 (MANE Select); coding-DNA position 796, C replaced by T.
Protein change: p.Arg266Ter; replaces arginine 266 with a stop codon.
Molecular consequence: nonsense.
Genome position (GRCh38, 1-based): chr14:24,240,684, G>A on the plus strand (C>T on the coding strand, the complement: TINF2 is on the minus strand). VCF-style: chr14-24240684-G-A. GRCh37 (hg19) VCF-style: chr14-24709890-G-A.
Other names: c.691C>T, p.Arg231Ter (NM_001363668.2); c.796C>T, p.Arg266Ter (NM_012461.3); short protein forms R266*, R231*.
Identifiers: ClinVar variation 422211 (VCV000422211.4), dbSNP rs1064795632, ClinGen allele CA16619855.